The following is an entry in ClinVar:

NM_001164508.2(NEB):c.13628A>C (p.Lys4543Thr)

Gene: NEB (nebulin; minus strand). Cytogenetic location: 2q23.3.
Variant type: single nucleotide variant.
Coding change: c.13628A>C on transcript NM_001164508.2 (MANE Select); coding-DNA position 13628, A replaced by C.
Protein change: p.Lys4543Thr; replaces lysine 4543 with threonine.
Molecular consequence: missense variant. On other transcripts: intron variant (1).
Genome position (GRCh38, 1-based): chr2:151,600,602, T>G on the plus strand (A>C on the coding strand, the complement: NEB is on the minus strand). VCF-style: chr2-151600602-T-G. GRCh37 (hg19) VCF-style: chr2-152457116-T-G.
Other names: c.13628A>C, p.Lys4543Thr (NM_001164507.2, NM_001271208.2); c.11601+9207A>C (NM_004543.5); short protein forms K4543T.
Identifiers: ClinVar variation 226842 (VCV000226842.9), dbSNP rs200125713, ClinGen allele CA10576439.
Genomic context (GRCh38, chr2:151,600,602, plus strand): 5'-GCCAGTGCCTGACCTTCTTTGGCAGCGCTGATGGACACCATGTCCACAGGGATGGAGATC[T>G]TGGCTTTGTGGTCGTTGTAGGCCTTTTTGTACAGCCTGTCATTCTGCATCTTCAACACAT-3'
Protein context (NP_001157980.2, residues 4533-4553): YKKAYNDHKA[Lys4543Thr]ISIPVDMVSI

ClinVar aggregate classification (germline): Benign/Likely benign. Review status: criteria provided, multiple submitters, no conflicts (2 of 4 stars). 5 submissions from 5 submitters: Benign (3); Likely benign (1). 1 of the submissions does not count toward it. Last evaluated 2026-02-04.

Conditions:
Nemaline myopathy 2 (NEM2). Also called: Nemaline myopathy 2, autosomal recessive. Identifiers: MedGen C1850569, MONDO:0009725, OMIM 256030.

Allele frequency attached by ClinVar (database versions not stated): gnomAD exomes 0.20353 and 0.16543.

Submissions (5):

Labcorp Genetics (formerly Invitae), Labcorp
Classification: Benign for Nemaline myopathy 2. Last evaluated: 2026-02-04. Review status: criteria provided, single submitter. Criteria: Invitae Variant Classification Sherloc (09022015). Collection method: clinical testing. Allele origin: germline.

GeneDx
Classification: Likely benign. Last evaluated: 2018-02-23. Review status: criteria provided, single submitter. Criteria: GeneDx Variant Classification (06012015). Collection method: clinical testing. Allele origin: germline. Affected: yes.
Comment: This variant is considered likely benign or benign based on one or more of the following criteria: it is a conservative change, it occurs at a poorly conserved position in the protein, it is predicted to be benign by multiple in silico algorithms, and/or has population frequency not consistent with disease.

Laboratory for Molecular Medicine, Mass General Brigham Personalized Medicine
Classification: Benign. Last evaluated: 2015-02-09. Review status: criteria provided, single submitter. Criteria: LMM Criteria. Collection method: clinical testing. Allele origin: germline. Observed: 2 variant alleles.
Comment: NEB exons 82-105 are organized in three repetitive blocks of 8 exons each and be cause these blocks are nearly identical in sequence, homologous exons (e.g., exo ns 82, 90, and 98) are co-amplified and sequenced (each amplicon consists of 6 a lleles). Due to this method, we are unable to determine in which repetitive bloc k this variant occurs [c.13628A>C (p.Lys4543Thr) in exon 89; c.15086A>C (pLys502 9Thr) in exon 97; c.16544A>C (p.Lys5515Thr) in exon 105]. This variant is not ex pected to have clinical significance because it has been identified in 34.4% (10 44/3038) chromosomes across several diverse populations by the Exome Aggregate C onsortium.

PreventionGenetics, part of Exact Sciences
Classification: Benign. Review status: criteria provided, single submitter. Criteria: ACMG Guidelines, 2015. Collection method: clinical testing. Allele origin: germline.

Natera, Inc.
Classification: Benign for Nemaline myopathy type 2. Last evaluated: 2019-09-09. Review status: no assertion criteria provided. Collection method: clinical testing. Allele origin: germline. Not counted in ClinVar's aggregate classification.